The following is an entry in ClinVar:

ClinVar aggregate classification (germline): Likely pathogenic (1 of 4 stars; one submission).

Conditions:
Capillary malformation-arteriovenous malformation 1 (CMAVM1). Identifiers: Orphanet 137667, Orphanet 693907, MedGen C4747394, MONDO:0020783, OMIM 608354.

Submission:

Clinical Genomics Laboratory, Washington University in St. Louis
Classification: Likely pathogenic for Capillary malformation-arteriovenous malformation 1. Last evaluated: 2025-05-17. Review status: criteria provided, single submitter. Criteria: ACMG Guidelines, 2015. Collection method: clinical testing. Allele origin: germline. Affected: yes.
Comment: A RASA1 c.2703dup (p.Leu902Serfs*34) variant was identified at a near heterozygous allelic fraction of 47.2%, a frequency which may be consistent with it being of germline origin. This variant, to our knowledge, has not been reported in the medical literature. This variant is absent in the general popoulation (gnomAD v4.1.0), indicating it is not a common variant. This variant causes a frameshift by duplicating one nucleotide, leading to a premature termination codon, which is predicted to lead to nonsense mediated decay. Based on available information and the ACMG/AMP guidelines for variant interpretation (Richards S et al., PMID: 25741868), this variant is classified as likely pathogenic.

NM_002890.3(RASA1):c.2703dup (p.Leu902fs)

Genes: CCNH (cyclin H; minus strand), RASA1 (RAS p21 protein activator 1; plus strand). Cytogenetic location: 5q14.3.
Variant type: Duplication.
Coding change: c.2703dup on transcript NM_002890.3 (MANE Select); coding-DNA position 2703, one base duplicated (T; older notation c.2703dupT).
Protein change: p.Leu902fs; shifts the reading frame from leucine 902.
Molecular consequence: frameshift variant. On other transcripts: intron variant (1).
Genome position (GRCh38, 1-based): chr5:87,383,725, T duplicated; the last of 5 consecutive T bases (chr5:87,383,721-87,383,725); duplicating any one gives the same sequence. VCF-style (leftmost placement, unchanged base first): chr5-87383720-G-GT. GRCh37 (hg19) VCF-style: chr5-86679537-G-GT.
Other names: c.2172dup, p.Leu725fs (NM_022650.3); c.933+11323dup (NM_001364075.2); short protein forms L725fs, L902fs.
Identifiers: ClinVar variation 4279779 (VCV004279779.1).
Genomic context (GRCh38, chr5:87,383,720, plus strand): 5'-CATTATATAGGTGTTTTCTAAAAAAAAAAAAAAAAAATTTCCCTCCCATTCAGTGGTTTT[G>GT]TTTTTCTTCGACTCATCTGTCCTGCCATCCTGAATCCACGGATGTTCAATATCATCTCAG-3'